The following is an entry in ClinVar:

ClinVar aggregate classification (germline): Uncertain significance (1 of 4 stars; one submission).

Submission:

Ambry Genetics
Classification: Uncertain significance. Last evaluated: 2025-07-15. Review status: criteria provided, single submitter. Criteria: Ambry Variant Classification Scheme 2023. Collection method: clinical testing. Allele origin: germline.
Comment: The p.P64T variant (also known as c.190C>A), located in coding exon 1 of the TET2 gene, results from a C to A substitution at nucleotide position 190. The proline at codon 64 is replaced by threonine, an amino acid with highly similar properties. This amino acid position is conserved. In addition, this alteration is predicted to be tolerated by in silico analysis. Based on the available evidence, the clinical significance of this variant remains unclear.

NM_001127208.3(TET2):c.190C>A (p.Pro64Thr)

Genes: TET2 (tet methylcytosine dioxygenase 2; plus strand), TET2-AS1 (TET2 antisense RNA 1; minus strand). Cytogenetic location: 4q24.
Variant type: single nucleotide variant.
Coding change: c.190C>A on transcript NM_001127208.3 (MANE Select); coding-DNA position 190, C replaced by A.
Protein change: p.Pro64Thr; replaces proline 64 with threonine.
Molecular consequence: missense variant.
Genome position (GRCh38, 1-based): chr4:105,234,132, C>A. VCF-style: chr4-105234132-C-A. GRCh37 (hg19) VCF-style: chr4-106155289-C-A.
Other names: c.190C>A, p.Pro64Thr (NM_017628.4); short protein forms P64T.
Identifiers: ClinVar variation 4182968 (VCV004182968.1).